The following is an entry in ClinVar:

NM_002691.4(POLD1):c.10A>G (p.Lys4Glu)

Gene: POLD1 (DNA polymerase delta 1, catalytic subunit; plus strand). Cytogenetic location: 19q13.33.
Variant type: single nucleotide variant.
Coding change: c.10A>G on transcript NM_002691.4 (MANE Select); coding-DNA position 10, A replaced by G.
Protein change: p.Lys4Glu; replaces lysine 4 with glutamic acid.
Molecular consequence: missense variant. On other transcripts: non-coding transcript variant (1).
Genome position (GRCh38, 1-based): chr19:50,398,861, A>G. VCF-style: chr19-50398861-A-G. GRCh37 (hg19) VCF-style: chr19-50902118-A-G.
Other names: c.10A>G, p.Lys4Glu (NM_001256849.1, NM_001308632.1); short protein forms K4E.
Identifiers: ClinVar variation 2848943 (VCV002848943.3), dbSNP rs2038468125, ClinGen allele CA406969972.
Genomic context (GRCh38, chr19:50,398,861, plus strand): 5'-AAGAGGTGTCTCCGGTCAGAACCTCCACCAAGCTCCAACTTGCCCAGCAGGATGGATGGC[A>G]AGCGGCGGCCAGGCCCAGGGCCCGGGGTGCCCCCAAAGCGGGCCCGTGGGGGCCTCTGGG-3'
Protein context (NP_002682.2, residues 1-14): MDG[Lys4Glu]RRPGPGPGVP

ClinVar aggregate classification (germline): Uncertain significance (1 of 4 stars; one submission).

Conditions:
POLD1-related polyposis and colorectal cancer syndrome (CRCS10). Also called: Colorectal cancer 10; COLORECTAL CANCER, SUSCEPTIBILITY TO, ON CHROMOSOME 19q; Colorectal cancer, susceptibility to, 10. Identifiers: Orphanet 220460, MedGen C2675481, MONDO:0012953, OMIM 612591.

Submission:

Labcorp Genetics (formerly Invitae), Labcorp
Classification: Uncertain significance for POLD1-related polyposis and colorectal cancer syndrome. Last evaluated: 2023-03-23. Review status: criteria provided, single submitter. Criteria: Invitae Variant Classification Sherloc (09022015). Collection method: clinical testing. Allele origin: germline.
Comment: This sequence change replaces lysine, which is basic and polar, with glutamic acid, which is acidic and polar, at codon 4 of the POLD1 protein (p.Lys4Glu). This variant is not present in population databases (gnomAD no frequency). This variant has not been reported in the literature in individuals affected with POLD1-related conditions. Experimental studies and prediction algorithms are not available or were not evaluated, and the functional significance of this variant is currently unknown. In summary, the available evidence is currently insufficient to determine the role of this variant in disease. Therefore, it has been classified as a Variant of Uncertain Significance.